The following is an entry in ClinVar:

NM_004813.4(PEX16):c.225+3G>A

Gene: PEX16 (peroxisomal biogenesis factor 16; minus strand). Cytogenetic location: 11p11.2.
Variant type: single nucleotide variant.
Coding change: c.225+3G>A on transcript NM_004813.4 (MANE Select); 3 bases into the intron after coding-DNA position 225, G replaced by A.
Molecular consequence: intron variant.
Genome position (GRCh38, 1-based): chr11:45,916,224, C>T on the plus strand (G>A on the coding strand, the complement: PEX16 is on the minus strand). VCF-style: chr11-45916224-C-T. GRCh37 (hg19) VCF-style: chr11-45937775-C-T.
Other names: c.225+3G>A (NM_057174.3).
Identifiers: ClinVar variation 2074458 (VCV002074458.5), dbSNP rs1472778505, ClinGen allele CA599028524.

ClinVar aggregate classification (germline): Uncertain significance. Review status: criteria provided, multiple submitters, no conflicts (2 of 4 stars). 2 submissions from 2 submitters: Uncertain significance (2). Last evaluated 2025-12-19.

Conditions:
Peroxisome biogenesis disorder. Identifiers: Orphanet 79189, MedGen C1832200, MONDO:0019234. Disease mechanism: loss of function.

Allele frequency attached by ClinVar (database versions not stated): TOPMed below 0.00001; gnomAD 0.00001.

Submissions (2):

Women's Health and Genetics/Laboratory Corporation of America, LabCorp
Classification: Uncertain significance. Last evaluated: 2025-12-19. Review status: criteria provided, single submitter. Criteria: LabCorp Variant Classification Summary - May 2015. Collection method: clinical testing. Allele origin: germline.

Labcorp Genetics (formerly Invitae), Labcorp
Classification: Uncertain significance for Peroxisome biogenesis disorder. Last evaluated: 2022-01-04. Review status: criteria provided, single submitter. Criteria: Invitae Variant Classification Sherloc (09022015). Collection method: clinical testing. Allele origin: germline.
Comment: This sequence change falls in intron 3 of the PEX16 gene. It does not directly change the encoded amino acid sequence of the PEX16 protein. It affects a nucleotide within the consensus splice site. In summary, the available evidence is currently insufficient to determine the role of this variant in disease. Therefore, it has been classified as a Variant of Uncertain Significance. Variants that disrupt the consensus splice site are a relatively common cause of aberrant splicing (PMID: 17576681, 9536098). Algorithms developed to predict the effect of sequence changes on RNA splicing suggest that this variant is not likely to affect RNA splicing. This variant has not been reported in the literature in individuals affected with PEX16-related conditions. This variant is present in population databases (no rsID available, gnomAD 0.01%).

Literature cited by the submitters: PubMed 17576681 (cited by Labcorp Genetics (formerly Invitae), Labcorp); PubMed 9536098 (cited by Labcorp Genetics (formerly Invitae), Labcorp).